The following is an entry in ClinVar:

ClinVar aggregate classification (germline): Uncertain significance (1 of 4 stars; one submission).

Submission:

Ambry Genetics
Classification: Uncertain significance. Last evaluated: 2026-03-17. Review status: criteria provided, single submitter. Criteria: Ambry Variant Classification Scheme 2023. Collection method: clinical testing. Allele origin: germline.
Comment: The c.465C>G (p.H155Q) alteration is located in exon 2 (coding exon 1) of the MAGEB18 gene. This alteration results from a C to G substitution at nucleotide position 465, causing the histidine (H) at amino acid position 155 to be replaced by a glutamine (Q). Based on data from gnomAD, the G allele has an overall frequency of 0.001% (2/167356) total alleles studied. The highest observed frequency was 0.008% (2/26177) of Latino alleles. Based on insufficient or conflicting evidence, the clinical significance of this alteration remains unclear.

NM_173699.4(MAGEB18):c.465C>G (p.His155Gln)

Gene: MAGEB18 (MAGE family member B18; plus strand). Cytogenetic location: Xp21.3.
Variant type: single nucleotide variant.
Coding change: c.465C>G on transcript NM_173699.4 (MANE Select); coding-DNA position 465, C replaced by G.
Protein change: p.His155Gln; replaces histidine 155 with glutamine.
Molecular consequence: missense variant.
Genome position (GRCh38, 1-based): chrX:26,139,450, C>G. VCF-style: chrX-26139450-C-G. GRCh37 (hg19) VCF-style: chrX-26157567-C-G.
Other names: short protein forms H155Q.
Identifiers: ClinVar variation 4859466 (VCV004859466.1).